The following is an entry in ClinVar:

NM_002458.3(MUC5B):c.11725G>A (p.Val3909Ile)

Genes: MUC5B (mucin 5B, oligomeric mucus/gel-forming; plus strand), MUC5B-AS1 (MUC5B antisense RNA 1; minus strand). Cytogenetic location: 11p15.5.
Variant type: single nucleotide variant.
Coding change: c.11725G>A on transcript NM_002458.3 (MANE Select); coding-DNA position 11725, G replaced by A.
Protein change: p.Val3909Ile; replaces valine 3909 with isoleucine.
Molecular consequence: missense variant.
Genome position (GRCh38, 1-based): chr11:1,248,605, G>A. VCF-style: chr11-1248605-G-A. GRCh37 (hg19) VCF-style: chr11-1269835-G-A.
Other names: short protein forms V3909I.
Identifiers: ClinVar variation 403171 (VCV000403171.7), dbSNP rs2943521, ClinGen allele CA5807765.

ClinVar aggregate classification (germline): Benign. Review status: criteria provided, multiple submitters, no conflicts (2 of 4 stars). 3 submissions from 3 submitters: Benign (3). Last evaluated 2021-06-09.

Allele frequency attached by ClinVar (database versions not stated): gnomAD 0.42584 and 0.42983; TOPMed 0.43087; 1000 Genomes Project 30x 0.45518; 1000 Genomes Project 0.46146; gnomAD exomes 0.46871.
gnomAD v4.1: 716,106 of 1,609,662 alleles (44%); highest among the groups gnomAD compares: East Asian, 70%; 163,161 homozygotes.

Submissions (3):

GeneDx
Classification: Benign. Last evaluated: 2021-06-09. Review status: criteria provided, single submitter. Criteria: GeneDx Variant Classification Process June 2021. Collection method: clinical testing. Allele origin: germline. Affected: yes.

Laboratory for Molecular Medicine, Mass General Brigham Personalized Medicine
Classification: Benign. Last evaluated: 2016-03-28. Review status: criteria provided, single submitter. Criteria: LMM Criteria. Collection method: clinical testing. Allele origin: germline.
Comment: Variant identified in a genome or exome case(s) and assessed due to predicted null impact of the variant or pathogenic assertions in the literature or databases. Disclaimer: This variant has not undergone full assessment. The following are preliminary notes: Frequency

Breakthrough Genomics
Classification: Benign. Review status: criteria provided, single submitter. Criteria: ACMG Guidelines, 2015. Collection method: not provided. Allele origin: germline. Inheritance: Autosomal dominant inheritance. Affected: yes.